The following is an entry in ClinVar:

ClinVar aggregate classification (germline): Likely benign (1 of 4 stars; one submission).

Submission:

CeGaT Center for Human Genetics Tuebingen
Classification: Likely benign. Last evaluated: 2025-08-01. Review status: criteria provided, single submitter. Criteria: CeGaT Center For Human Genetics Tuebingen Variant Classification Criteria Version 2. Collection method: clinical testing. Allele origin: germline. Affected: yes. Observed: 1 variant allele.
Comment: VARS1: PM2:Supporting, BP4, BP7

NM_006295.3(VARS1):c.1644T>A (p.Ala548=)

Gene: VARS1 (valyl-tRNA synthetase 1; minus strand). Cytogenetic location: 6p21.33.
Variant type: single nucleotide variant.
Coding change: c.1644T>A on transcript NM_006295.3 (MANE Select); coding-DNA position 1644, T replaced by A.
Protein change: p.Ala548=; no amino-acid change (alanine 548 retained).
Molecular consequence: synonymous variant.
Genome position (GRCh38, 1-based): chr6:31,784,241, A>T on the plus strand (T>A on the coding strand, the complement: VARS1 is on the minus strand). VCF-style: chr6-31784241-A-T. GRCh37 (hg19) VCF-style: chr6-31752018-A-T.
Identifiers: ClinVar variation 4085641 (VCV004085641.8).